The following is an entry in ClinVar:

NM_000138.5(FBN1):c.2254_2256del (p.Ser752del)

Gene: FBN1 (fibrillin 1; minus strand). Cytogenetic location: 15q21.1.
Variant type: Deletion.
Coding change: c.2254_2256del on transcript NM_000138.5 (MANE Select); coding-DNA positions 2254 to 2256, 3 bases deleted (TCA; older notation c.2254_2256delTCA).
Protein change: p.Ser752del; deletes serine 752.
Molecular consequence: inframe deletion.
Genome position (GRCh38, 1-based): chr15:48,497,303-48,497,305, TGA deleted on the plus strand (TCA on the coding strand, the reverse complement: FBN1 is on the minus strand). VCF-style (leftmost placement, unchanged base first): chr15-48497302-CTGA-C. GRCh37 (hg19) VCF-style: chr15-48789499-CTGA-C.
Other names: short protein forms S752del.
Identifiers: ClinVar variation 1014173 (VCV001014173.8), dbSNP rs2043616319, ClinGen allele CA2175521349.

ClinVar aggregate classification (germline): Uncertain significance (1 of 4 stars; one submission).

Conditions:
Marfan syndrome (MFS). Also called: FBN1-Related Marfan Syndrome; MARFAN SYNDROME, TYPE I; Marfan syndrome type 1; Marfan's syndrome; Marfan syndrome, classic. Identifiers: Orphanet 284963, Orphanet 558, MedGen C0024796, MONDO:0007947, OMIM 154700.
Familial thoracic aortic aneurysm and aortic dissection (TAAD). Also called: Thoracic aortic aneurysms and dissections. Identifiers: Orphanet 91387, MedGen C4707243, MONDO:0019625.

Submission:

Labcorp Genetics (formerly Invitae), Labcorp
Classification: Uncertain significance for Marfan syndrome; Familial thoracic aortic aneurysm and aortic dissection. Last evaluated: 2020-08-14. Review status: criteria provided, single submitter. Criteria: Invitae Variant Classification Sherloc (09022015). Collection method: clinical testing. Allele origin: germline.
Comment: This variant, c.2254_2256del, results in the deletion of 1 amino acid(s) of the FBN1 protein (p.Ser752del), but otherwise preserves the integrity of the reading frame. This variant is not present in population databases (ExAC no frequency). In summary, the available evidence is currently insufficient to determine the role of this variant in disease. Therefore, it has been classified as a Variant of Uncertain Significance. Experimental studies and prediction algorithms are not available or were not evaluated, and the functional significance of this variant is currently unknown. This variant has not been reported in the literature in individuals with FBN1-related conditions.